The following is an entry in ClinVar:

NM_005732.4(RAD50):c.1775A>G (p.Asp592Gly)

Gene: RAD50 (RAD50 double strand break repair protein; plus strand). Cytogenetic location: 5q31.1.
Variant type: single nucleotide variant.
Coding change: c.1775A>G on transcript NM_005732.4 (MANE Select); coding-DNA position 1775, A replaced by G.
Protein change: p.Asp592Gly; replaces aspartic acid 592 with glycine.
Molecular consequence: missense variant.
Genome position (GRCh38, 1-based): chr5:132,592,016, A>G. VCF-style: chr5-132592016-A-G. GRCh37 (hg19) VCF-style: chr5-131927708-A-G.
Other names: short protein forms D592G.
Identifiers: ClinVar variation 2002173 (VCV002002173.4), dbSNP rs2479643875, ClinGen allele CA360946742.

ClinVar aggregate classification (germline): Uncertain significance (1 of 4 stars; one submission).

Conditions:
Hereditary cancer-predisposing syndrome. Also called: Hereditary neoplastic syndrome; Hereditary Cancer Syndrome; Tumor predisposition; Neoplastic Syndromes, Hereditary. Identifiers: Orphanet 140162, MedGen C0027672, MeSH D009386, MONDO:0015356.

Submission:

Labcorp Genetics (formerly Invitae), Labcorp
Classification: Uncertain significance for Hereditary cancer-predisposing syndrome. Last evaluated: 2022-06-03. Review status: criteria provided, single submitter. Criteria: Invitae Variant Classification Sherloc (09022015). Collection method: clinical testing. Allele origin: germline.
Comment: In summary, the available evidence is currently insufficient to determine the role of this variant in disease. Therefore, it has been classified as a Variant of Uncertain Significance. Algorithms developed to predict the effect of missense changes on protein structure and function (SIFT, PolyPhen-2, Align-GVGD) all suggest that this variant is likely to be tolerated. This variant has not been reported in the literature in individuals affected with RAD50-related conditions. This variant is not present in population databases (gnomAD no frequency). This sequence change replaces aspartic acid, which is acidic and polar, with glycine, which is neutral and non-polar, at codon 592 of the RAD50 protein (p.Asp592Gly).